The following is an entry in ClinVar:

ClinVar aggregate classification (germline): Likely benign (1 of 4 stars; one submission).

Conditions:
Charcot-Marie-Tooth disease type 4H (CMT4H). Also called: CHARCOT-MARIE-TOOTH DISEASE, AUTOSOMAL RECESSIVE, TYPE 4H; CHARCOT-MARIE-TOOTH DISEASE, DEMYELINATING, AUTOSOMAL RECESSIVE, TYPE 4H; CHARCOT-MARIE-TOOTH NEUROPATHY, TYPE 4H; CHARCOT-MARIE-TOOTH DISEASE, DEMYELINATING, TYPE 4H. Identifiers: Orphanet 99954, MedGen C1836336, MONDO:0012250, OMIM 609311.

Allele frequency attached by ClinVar (database versions not stated): 1000 Genomes Project 30x 0.00203; TOPMed 0.00251; 1000 Genomes Project 0.00180.

Submission:

Illumina Laboratory Services, Illumina
Classification: Likely benign for Charcot-Marie-Tooth disease type 4H. Last evaluated: 2018-01-13. Review status: criteria provided, single submitter. Criteria: ICSL Variant Classification Criteria 13 December 2019. Collection method: clinical testing. Allele origin: germline.
Comment: This variant was observed in the ICSL laboratory as part of a predisposition screen in an ostensibly healthy population. It had not been previously curated by ICSL or reported in the Human Gene Mutation Database (HGMD: prior to June 1st, 2018), and was therefore a candidate for classification through an automated scoring system. Utilizing variant allele frequency, disease prevalence and penetrance estimates, and inheritance mode, an automated score was calculated to assess if this variant is too frequent to cause the disease. Based on the score and internal cut-off values, a variant classified as likely benign is not then subjected to further curation. The score for this variant resulted in a classification of likely benign for this disease.

NM_001370298.3(FGD4):c.*4014C>A

Gene: FGD4 (FYVE, RhoGEF and PH domain containing 4; plus strand). Cytogenetic location: 12p11.21.
Variant type: single nucleotide variant.
Coding change: c.*4014C>A on transcript NM_001370298.3 (MANE Select); 4014 bases downstream of the stop codon, C replaced by A.
Molecular consequence: 3 prime UTR variant. On other transcripts: intron variant (3).
Genome position (GRCh38, 1-based): chr12:32,644,547, C>A. VCF-style: chr12-32644547-C-A. GRCh37 (hg19) VCF-style: chr12-32797481-C-A.
Other names: c.*4014C>A (NM_001304481.2, NM_001304484.2, NM_001330373.2 and 5 more transcripts); c.2633-47C>A (NM_001384126.1); c.2222-47C>A (NM_001384127.1, NM_001384128.1).
Identifiers: ClinVar variation 880551 (VCV000880551.4), dbSNP rs187562428, ClinGen allele CA235251144.